The following is an entry in ClinVar:

ClinVar aggregate classification (germline): Uncertain significance. Review status: criteria provided, multiple submitters, no conflicts (2 of 4 stars). 2 submissions from 2 submitters: Uncertain significance (2). Last evaluated 2025-10-29.

Allele frequency attached by ClinVar (database versions not stated): gnomAD 0.00001; ExAC 0.00002; TOPMed 0.00003.
gnomAD v4.1: 5 of 1,613,920 alleles (0.00031%); highest among the groups gnomAD compares: East Asian, 0.0067%; no homozygotes.

Submissions (2):

Ambry Genetics
Classification: Uncertain significance. Last evaluated: 2025-10-29. Review status: criteria provided, single submitter. Criteria: Ambry Variant Classification Scheme 2023. Collection method: clinical testing. Allele origin: germline.

Labcorp Genetics (formerly Invitae), Labcorp
Classification: Uncertain significance. Last evaluated: 2023-07-12. Review status: criteria provided, single submitter. Criteria: Invitae Variant Classification Sherloc (09022015). Collection method: clinical testing. Allele origin: germline.
Comment: Algorithms developed to predict the effect of missense changes on protein structure and function output the following: SIFT: "Not Available"; PolyPhen-2: "Benign"; Align-GVGD: "Not Available". The threonine amino acid residue is found in multiple mammalian species, which suggests that this missense change does not adversely affect protein function. In summary, the available evidence is currently insufficient to determine the role of this variant in disease. Therefore, it has been classified as a Variant of Uncertain Significance. This sequence change replaces isoleucine, which is neutral and non-polar, with threonine, which is neutral and polar, at codon 503 of the ADGRE2 protein (p.Ile503Thr). This variant is present in population databases (rs768970857, gnomAD 0.02%). This variant has not been reported in the literature in individuals affected with ADGRE2-related conditions.

NM_013447.4(ADGRE2):c.1508T>C (p.Ile503Thr)

Gene: ADGRE2 (adhesion G protein-coupled receptor E2; minus strand). Cytogenetic location: 19p13.12.
Variant type: single nucleotide variant.
Coding change: c.1508T>C on transcript NM_013447.4 (MANE Select); coding-DNA position 1508, T replaced by C.
Protein change: p.Ile503Thr; replaces isoleucine 503 with threonine.
Molecular consequence: missense variant. On other transcripts: intron variant (1).
Genome position (GRCh38, 1-based): chr19:14,755,036, A>G on the plus strand (T>C on the coding strand, the complement: ADGRE2 is on the minus strand). VCF-style: chr19-14755036-A-G. GRCh37 (hg19) VCF-style: chr19-14865848-A-G.
Other names: c.1361T>C, p.Ile454Thr (NM_152916.2); c.1229T>C, p.Ile410Thr (NM_152917.2); c.1416+618T>C (NM_001271052.1); c.1508T>C (NM_013447.2); short protein forms I454T, I503T, I410T.
Identifiers: ClinVar variation 3015025 (VCV003015025.4), dbSNP rs768970857, ClinGen allele CA9257689.